The following is an entry in ClinVar:

ClinVar aggregate classification (germline): Pathogenic. Review status: criteria provided, multiple submitters, no conflicts (2 of 4 stars). 55 submissions from 51 submitters: Pathogenic (41). 14 of the submissions do not count toward it. Last evaluated 2026-08-24.

Conditions:
Hereditary cancer-predisposing syndrome. Also called: Tumor predisposition; Hereditary neoplastic syndrome; Neoplastic Syndromes, Hereditary; Hereditary Cancer Syndrome. Identifiers: Orphanet 140162, MedGen C0027672, MeSH D009386, MONDO:0015356.
Fanconi anemia complementation group N. Also called: PALB2-Related Fanconi Anemia. Identifiers: Orphanet 84, MedGen C1835817, MONDO:0012565, OMIM 610832. Disease mechanism: loss of function.
Pancreatic cancer, susceptibility to, 3. Identifiers: Orphanet 1333, MedGen C3150547, MONDO:0013236, OMIM 613348.
Inherited breast cancer and ovarian cancer.
autosomal dominant PALB2-related cancer predisposition.
PALB2-related disorder. Also called: PALB2-related condition; PALB2-related disorders.
Breast-ovarian cancer, familial, susceptibility to, 5 (BROVCA5). Identifiers: MedGen C5830615, MONDO:0957530, OMIM 620442.
Breast cancer, susceptibility to. Identifiers: MedGen C3469522. Disease mechanism: gain of function.
Breast and/or ovarian cancer. Identifiers: MedGen CN221562.
Familial cancer of breast. Also called: Hereditary breast cancer; hereditary breast carcinoma; BREAST CANCER, FAMILIAL. Identifiers: Orphanet 227535, MedGen C0346153, MONDO:0016419, OMIM 114480. Disease mechanism: loss of function.
Hereditary breast ovarian cancer syndrome. Also called: Hereditary breast and ovarian cancer syndrome (HBOC); Hereditary breast and ovarian cancer; Hereditary breast and ovarian cancer syndrome; Breast and ovarian cancer; Hereditary breast and/or ovarian cancer syndrome; BRCA1- and BRCA2-Associated Hereditary Breast and Ovarian Cancer. Identifiers: Orphanet 145, MedGen C0677776, MeSH D061325, MONDO:0003582. Disease mechanism: loss of function.
Carcinoma of pancreas. Also called: Pancreatic cancer, somatic; Pancreatic carcinoma, somatic; Exocrine pancreatic carcinoma; PANCREATIC ACINAR CARCINOMA; PANCREATIC CARCINOMA. Identifiers: Orphanet 1333, Orphanet 217074, MedGen C0235974, MONDO:0005192. Disease mechanism: loss of function.
Breast-ovarian cancer, familial, susceptibility to, 1 (BROVCA1). Also called: BRCA1 Hereditary Breast and Ovarian Cancer; OVARIAN CANCER, SUSCEPTIBILITY TO. Identifiers: Orphanet 145, MedGen C2676676, MONDO:0011450, OMIM 604370. Disease mechanism: loss of function.
Malignant tumor of breast. Also called: Malignant breast neoplasm; Cancer breast. Identifiers: MedGen C0006142, MONDO:0007254. Disease mechanism: loss of function.
Breast carcinoma. Also called: Carcinoma of breast. Identifiers: MedGen C0678222, MONDO:0004989, HP:0003002.

Submissions 1 to 9 of 55:

Institute of Human Genetics, University of Leipzig Medical Center
Classification: Pathogenic for Breast-ovarian cancer, familial, susceptibility to, 5. Last evaluated: 2026-08-24. Review status: criteria provided, single submitter. Criteria: ACMG Guidelines, 2015. Collection method: clinical testing. Allele origin: maternal. Inheritance: Autosomal dominant inheritance. Affected: yes.
Comment: Criteria applied: PVS1,PS4,PM5_SUP

Genetics Laboratory, Great Ormond Street Hospital NHS Foundation Trust, North Thames Genomic Laboratory Hub
Classification: Pathogenic for Inherited breast cancer and ovarian cancer. Last evaluated: 2026-04-22. Review status: criteria provided, single submitter. Criteria: CanVIG PALB2 Gene Specific V1.2. Collection method: clinical testing. Allele origin: germline. Affected: yes.
Comment: PS4_strong, PVS1_very-strong, PM5_supporting

Labcorp Genetics (formerly Invitae), Labcorp
Classification: Pathogenic for Familial cancer of breast. Last evaluated: 2026-01-30. Review status: criteria provided, single submitter. Criteria: Invitae Variant Classification Sherloc (09022015). Collection method: clinical testing. Allele origin: germline.
Comment: This sequence change creates a premature translational stop signal (p.Arg170Ilefs*14) in the PALB2 gene. It is expected to result in an absent or disrupted protein product. Loss-of-function variants in PALB2 are known to be pathogenic (PMID: 17200668, 17200671, 17200672, 24136930, 25099575). This variant is present in population databases (rs515726124, gnomAD 0.007%). This premature translational stop signal has been observed in individual(s) with breast, ovarian, and pancreatic cancer (PMID: 20122277, 20412113, 21285249, 24061862, 25330149, 25959805, 26083025, 27038244, 27106063). ClinVar contains an entry for this variant (Variation ID: 126757). For these reasons, this variant has been classified as Pathogenic.

CeGaT Center for Human Genetics Tuebingen
Classification: Pathogenic. Last evaluated: 2026-01-01. Review status: criteria provided, single submitter. Criteria: CeGaT Center For Human Genetics Tuebingen Variant Classification Criteria Version 2. Collection method: clinical testing. Allele origin: germline. Affected: yes. Observed: 7 variant alleles.
Comment: PALB2: PVS1, PS4, PM2:Supporting

PreventionGenetics, part of Exact Sciences
Classification: Pathogenic for PALB2-related condition. Last evaluated: 2025-12-31. Review status: criteria provided, single submitter. Criteria: ACMG Guidelines, 2015. Collection method: clinical testing. Allele origin: germline.
Comment: The PALB2 c.509_510delGA variant is predicted to result in a frameshift and premature protein termination (p.Arg170Ilefs*14). This variant has been reported in multiple unrelated individuals with breast, ovarian, and pancreatic cancer (Dansonka-Mieszkowska et al. 2010. PubMed ID: 20122277; Casadei et al. 2011. PubMed ID: 21285249; Cybulski et al. 2015. PubMed ID: 25330149; Borecka et al. 2016. PubMed ID: 27106063). Functional studies demonstrated that this variant impacts PALB2 binding to DNA (Pauty et al. 2017. PubMed ID: 28158555). This variant is reported in 0.0070% of alleles in individuals of European (non-Finnish) descent in gnomAD and is interpreted as pathogenic in ClinVar (Variation ID: 126757). Frameshift variants in PALB2 are expected to be pathogenic. This variant is interpreted as pathogenic.

Color Diagnostics, LLC DBA Color Health
Classification: Pathogenic for Hereditary cancer-predisposing syndrome. Last evaluated: 2025-12-15. Review status: criteria provided, single submitter. Criteria: ACMG Guidelines, 2015. Collection method: clinical testing. Allele origin: germline.
Comment: This variant deletes 2 nucleotides in exon 4 of the PALB2 gene, creating a frameshift and premature translation stop signal. This variant is expected to result in an absent or non-functional protein product. A functional study reported that this variant impacts PALB2 binding to DNA (PMID: 28158555). This variant has been detected in over 40 individuals affected with breast, ovarian and pancreatic cancer (PMID: 20122277, 20412113, 20582465, 21285249, 24136930, 24061862, 25099575, 25186627, 26270727, 27106063, 33471991Leiden Open Variation Database DB-ID PALB2_010036). This variant also has been reported in a case of childhood onset acute myeloid leukemia (PMID: 33674644). This variant has been identified in 30/1614006 chromosomes in the general population by the Genome Aggregation Database (gnomAD). Loss of PALB2 function is a known mechanism of disease. Based on the available evidence, this variant is classified as Pathogenic.

Revvity Omics, Revvity
Classification: Pathogenic. Last evaluated: 2025-07-14. Review status: criteria provided, single submitter. Criteria: ACMG Guidelines, 2015. Collection method: clinical testing. Allele origin: germline.

Institute of Human Genetics, FAU Erlangen, Friedrich-Alexander-Universität Erlangen-Nürnberg
Classification: Pathogenic. Last evaluated: 2025-05-30. Review status: criteria provided, single submitter. Criteria: Hauer et al. (Genet Med. 2018). Collection method: clinical testing. Allele origin: germline. Inheritance: Unknown mechanism. Affected: yes. Observed: 1 variant allele.
Comment: This variant has been identified by standard clinical testing.

Variantyx, Inc.
Classification: Pathogenic for autosomal dominant PALB2-related cancer predisposition. Last evaluated: 2025-04-02. Review status: criteria provided, single submitter. Criteria: Variantyx Assertion Criteria 2022. Collection method: clinical testing. Allele origin: germline. Inheritance: Autosomal dominant inheritance. Affected: yes.
Comment: This is a frameshift variant in the PALB2 gene (OMIM: 610355). Pathogenic variants in this gene have been associated with autosomal dominant PALB2-related cancer predisposition. This variant introduces a premature termination codon in exon 4 out of 13 and is expected to result in loss of function, which is a known disease mechanism for PALB2 in this disorder (PMID: 17200668, 17200671, 17200672, 24136930, 25099575, 28158555) (PVS1). The frequency of this variant in affected individuals is significantly increased compared to controls (PMID: 25959805) (PS4), and functional studies have shown that this variant alters protein function (PMID: 28158555). It has been reported in the heterozygous state in many unrelated affected individuals and is considered a founder in the Polish population (PMID: 24061862, 34284872, 34461861, 25330149). This variant has a 0.0025% maximum allele frequency in non-founder control populations. Based on the current evidence, this variant is classified as pathogenic for autosomal dominant PALB2-related cancer predisposition.

NM_024675.4(PALB2):c.509_510del (p.Arg170fs)

Gene: PALB2 (partner and localizer of BRCA2; minus strand). Cytogenetic location: 16p12.2.
Variant type: Deletion.
Coding change: c.509_510del on transcript NM_024675.4 (MANE Select); coding-DNA positions 509 to 510, 2 bases deleted (GA; older notation c.509_510delGA).
Protein change: p.Arg170fs; shifts the reading frame from arginine 170.
Molecular consequence: frameshift variant.
Genome position (GRCh38, 1-based): chr16:23,636,036-23,636,037, TC deleted on the plus strand (GA on the coding strand, the reverse complement: PALB2 is on the minus strand); deleting any 2 consecutive bases within chr16:23,636,036-23,636,038 gives the same sequence; the c. name uses the placement nearest the transcript's 3' end. VCF-style (leftmost placement, unchanged base first): chr16-23636035-ATC-A. GRCh37 (hg19) VCF-style: chr16-23647356-ATC-A.
Other names: c.509_510delGA (NM_024675.4, NM_024675.3); c.-377_-376del (NM_001407308.1).
Identifiers: ClinVar variation 126757 (VCV000126757.143), dbSNP rs515726123, ClinGen allele CA214889.